The following is an entry in ClinVar:

ClinVar aggregate classification (germline): Pathogenic (1 of 4 stars; one submission).

Submission:

GeneDx
Classification: Pathogenic. Last evaluated: 2016-01-12. Review status: criteria provided, single submitter. Criteria: GeneDx Variant Classification (06012015). Collection method: clinical testing. Allele origin: germline. Affected: yes.
Comment: The c.177delC pathogenic variant in the L1CAM gene causes a frameshift starting with codon Serine 60, changes this amino acid to a Valine residue and creates a premature Stop codon at position 25 of the new reading frame, denoted p.Ser60ValfsX25. This pathogenic variant is predicted to cause loss of normal protein function either through protein truncation or nonsense-mediated mRNA decay.

NM_001278116.2(L1CAM):c.177del (p.Ser60fs)

Gene: L1CAM (L1 cell adhesion molecule; minus strand). Cytogenetic location: Xq28.
Variant type: Deletion.
Coding change: c.177del on transcript NM_001278116.2 (MANE Select); coding-DNA position 177, one base deleted (C; older notation c.177delC).
Protein change: p.Ser60fs; shifts the reading frame from serine 60.
Molecular consequence: frameshift variant.
Genome position (GRCh38, 1-based): chrX:153,872,612, G deleted on the plus strand (C on the coding strand, the reverse complement: L1CAM is on the minus strand); the first of 2 consecutive G bases (chrX:153,872,612-153,872,613); deleting either gives the same sequence. VCF-style (leftmost placement, unchanged base first): chrX-153872611-TG-T. GRCh37 (hg19) VCF-style: chrX-153138066-TG-T.
Other names: c.177del, p.Ser60fs (NM_000425.5, NM_024003.3); c.162del, p.Ser55fs (NM_001143963.2); short protein forms S55fs, S60fs.
Identifiers: ClinVar variation 265220 (VCV000265220.2), dbSNP rs886039404, ClinGen allele CA10588753.